The following is an entry in ClinVar:

ClinVar aggregate classification (germline): Pathogenic/Likely pathogenic. Review status: criteria provided, multiple submitters, no conflicts (2 of 4 stars). 17 submissions from 17 submitters: Pathogenic (13); Likely pathogenic (1). 3 of the submissions do not count toward it. Last evaluated 2026-03-30.

Conditions:
VPS13B-related disorder. Also called: VPS13B-related condition.
Cohen syndrome (COH1). Also called: PEPPER SYNDROME; Cutis verticis gyrata, retinitis pigmentosa, and sensorineural deafness. Identifiers: Orphanet 193, MedGen C0265223, MONDO:0008999, OMIM 216550.

Allele frequency attached by ClinVar (database versions not stated): gnomAD 0.00001 and 0.00003; gnomAD exomes 0.00002 and 0.00004; TOPMed 0.00002; ExAC 0.00004; ESP Exome Variant Server 0.00016; 1000 Genomes Project 30x 0.00031.

Submissions (17):

Women's Health and Genetics/Laboratory Corporation of America, LabCorp
Classification: Pathogenic for Cohen syndrome. Last evaluated: 2026-03-30. Review status: criteria provided, single submitter. Criteria: LabCorp Variant Classification Summary - May 2015. Collection method: clinical testing. Allele origin: germline.
Comment: Variant summary: VPS13B c.10156dupA (p.Thr3386AsnfsX3) results in a premature termination codon, predicted to cause a truncation of the encoded protein or absence of the protein due to nonsense mediated decay, which are commonly known mechanisms for disease. The variant allele was found at a frequency of 3.6e-05 in 251338 control chromosomes. c.10156dupA has been observed in individual(s) affected with Cohen Syndrome (Athanasakis_2012). To our knowledge, no experimental evidence demonstrating an impact on protein function has been reported. The following publications have been ascertained in the context of this evaluation (PMID: 27533158, 22855652). ClinVar contains an entry for this variant (Variation ID: 56629). Based on the evidence outlined above, the variant was classified as pathogenic.

PreventionGenetics, part of Exact Sciences
Classification: Pathogenic for VPS13B-related condition. Last evaluated: 2025-11-26. Review status: criteria provided, single submitter. Criteria: ACMG Guidelines, 2015. Collection method: clinical testing. Allele origin: germline.
Comment: The VPS13B c.10081dupA variant is predicted to result in a frameshift and premature protein termination (p.Thr3361Asnfs*3). This variant has been reported in the compound heterozygous state in an individual with Cohen syndrome (Athanasakis et al. 2012. PubMed ID: 22855652). This variant is reported in 0.020% of alleles in individuals of South Asian descent in gnomAD. Frameshift variants in VPS13B are expected to be pathogenic. This variant is interpreted as pathogenic.

Natera, Inc.
Classification: Pathogenic for Cohen syndrome. Last evaluated: 2025-11-04. Review status: criteria provided, single submitter. Criteria: Natera Variant Classification Schema (03/2026). Collection method: clinical testing. Allele origin: germline.
Comment: The c.10156dupA variant in VPS13B is a frameshift variant predicted to shift the reading frame beginning at codon 3386 and leads to a stop codon 3 codons downstream. This variant is expected to result in nonsense mediated decay, truncation, or a dysfunctional protein product. This variant is rare in the general population with a frequency below the threshold expected for the associated phenotype(s). This variant has been observed in one or more individuals affected with the associated recessive disease, as either homozygous or compound heterozygous with a second variant (PMID: 22855652, 31836858). Given the available evidence, this variant is classified as Pathogenic.

Labcorp Genetics (formerly Invitae), Labcorp
Classification: Pathogenic for Cohen syndrome. Last evaluated: 2024-12-04. Review status: criteria provided, single submitter. Criteria: Invitae Variant Classification Sherloc (09022015). Collection method: clinical testing. Allele origin: germline.
Comment: This sequence change creates a premature translational stop signal (p.Thr3386Asnfs*3) in the VPS13B gene. It is expected to result in an absent or disrupted protein product. Loss-of-function variants in VPS13B are known to be pathogenic (PMID: 15141358, 16648375, 20461111). The frequency data for this variant in the population databases is considered unreliable, as metrics indicate poor data quality at this position in the gnomAD database. This premature translational stop signal has been observed in individual(s) with Cohen Syndrome (PMID: 22855652). ClinVar contains an entry for this variant (Variation ID: 56629). For these reasons, this variant has been classified as Pathogenic.

Blueprint Genetics
Classification: Pathogenic for VPS13B-related disorders. Last evaluated: 2024-06-19. Review status: criteria provided, single submitter. Criteria: ACMG Guidelines, 2015. Collection method: clinical testing. Allele origin: germline. Affected: yes. Observed: 4 variant alleles.

Fulgent Genetics
Classification: Pathogenic for Cohen syndrome. Last evaluated: 2024-05-09. Review status: criteria provided, single submitter. Criteria: ACMG Guidelines, 2015. Collection method: clinical testing. Allele origin: germline.

GeneDx
Classification: Pathogenic. Last evaluated: 2022-03-23. Review status: criteria provided, single submitter. Criteria: GeneDx Variant Classification Process June 2021. Collection method: clinical testing. Allele origin: germline. Affected: yes.
Comment: Frameshift variant predicted to result in protein truncation or nonsense mediated decay in a gene for which loss-of-function is a known mechanism of disease; This variant is associated with the following publications: (PMID: 22855652)

Revvity Omics, Revvity
Classification: Likely pathogenic for Cohen syndrome. Last evaluated: 2021-11-17. Review status: criteria provided, single submitter. Criteria: ACMG Guidelines, 2015. Collection method: clinical testing. Allele origin: germline.

Illumina Laboratory Services, Illumina
Classification: Pathogenic for Cohen syndrome. Last evaluated: 2019-02-11. Review status: criteria provided, single submitter. Criteria: ICSLVariantClassificationCriteria RUGD 01 April 2020. Collection method: clinical testing. Allele origin: unknown.
Comment: The VPS13B c.10156dupA p.(Thr3386AsnfsTer3) variant causes a shift in the protein reading frame that is predicted to result in premature termination of the protein. Loss of normal protein function through either protein truncation or nonsense-mediated mRNA decay is expected. The highest frequency of this allele in the Genome Aggregation Database is 0.000196 in the South Asian population (version 2.1.1). Based on the available evidence, the p.(Thr3386AsnfsTer3) variant is classified as pathogenic for Cohen syndrome.

Centre for Genomic Medicine, Manchester, Central Manchester University Hospitals
Classification: Pathogenic for Cohen syndrome. Last evaluated: 2019-02-01. Review status: criteria provided, single submitter. Criteria: ACMG Guidelines, 2015. Collection method: clinical testing. Allele origin: germline. Affected: yes. Observed: 1 variant allele, 1 compound heterozygote.

Center of Genomic medicine, Geneva, University Hospital of Geneva
Classification: Pathogenic for Cohen syndrome. Last evaluated: 2016-03-01. Review status: criteria provided, single submitter. Criteria: ACMG Guidelines, 2015. Collection method: clinical testing. Allele origin: maternal. Affected: yes.

Equipe Genetique des Anomalies du Developpement, Université de Bourgogne
Classification: Pathogenic for Cohen syndrome. Review status: criteria provided, single submitter. Criteria: ACMG Guidelines, 2015. Collection method: clinical testing. Allele origin: paternal. Affected: yes.

Foundation for Research in Genetics and Endocrinology, FRIGE's Institute of Human Genetics
Classification: Pathogenic for Cohen syndrome. Review status: criteria provided, single submitter. Criteria: ACMG Guidelines, 2015. Collection method: clinical testing. Allele origin: germline. Inheritance: Autosomal recessive inheritance. Affected: yes.
Comment: A homozygous single base pair duplication in exon 56 of the VPS13B gene that results in a frameshift and premature truncation of the protein 3 amino acids downstream to codon 3361 was detected. This variant has not been reported in the 1000 genomes databases. The reference region is conserved across mammals. In summary, the variant meets our criteria to be classified as pathogenic.

Neuberg Centre For Genomic Medicine, NCGM
Classification: Pathogenic for Cohen syndrome. Review status: criteria provided, single submitter. Criteria: ACMG Guidelines, 2015. Collection method: clinical testing. Allele origin: germline. Affected: yes.
Comment: The frameshift duplication p.T3386Nfs*3 in VPS13B (NM_017890.5) has previously been reported in the literature in individuals affected with Cohen Syndrome (Athanasakis_2012). The variant has been reported to ClinVar as Pathogenic/Likely Pathogenic. The p.T3386Nfs*3 variant is observed in 6/30,610 (0.0196%) alleles from individuals of South Asian background in gnomAD Exomes and is novel (not in any individuals) in 1000 Genomes. This variant is predicted to cause loss of normal protein function through protein truncation caused a frameshift mutation. The p.T3386Nfs*3 variant is a loss of function variant in the gene VPS13B, which is intolerant of Loss of Function variants, as indicated by the presence of existing pathogenic loss of function variant NM_017890.5:c.292-1G>A and 155 others. For these reasons, this variant has been classified as Pathogenic.

Genetics and Genomic Medicine Centre, NeuroGen Healthcare, NeuroGen Healthcare
Classification: Pathogenic. Last evaluated: 2021-11-07. Review status: no assertion criteria provided. Collection method: clinical testing. Allele origin: unknown. Affected: yes. Not counted in ClinVar's aggregate classification.

Counsyl
Classification: Likely pathogenic for Cohen syndrome. Last evaluated: 2014-04-24. Review status: no assertion criteria provided. Collection method: literature only. Allele origin: unknown. Inheritance: Autosomal recessive inheritance. Not counted in ClinVar's aggregate classification.

Juha Muilu Group; Institute for Molecular Medicine Finland (FIMM)
Classification: Likely pathogenic for Cohen syndrome. Review status: no assertion criteria provided. Collection method: not provided. Allele origin: unknown. Not counted in ClinVar's aggregate classification.
Comment: FinDis database variant: This variant was not found or characterized by our laboratory, data were collected from public sources: see reference
ClinVar note: Converted during submission from probable-pathogenic to Likely pathogenic.

Literature cited by the submitters: PubMed 27533158 (cited by Women's Health and Genetics/Laboratory Corporation of America, LabCorp); PubMed 22855652 (cited by 4 submitters); PubMed 31836858 (cited by Natera, Inc.); PubMed 15141358 (cited by Labcorp Genetics (formerly Invitae), Labcorp); PubMed 16648375 (cited by Labcorp Genetics (formerly Invitae), Labcorp); PubMed 20461111 (cited by Labcorp Genetics (formerly Invitae), Labcorp).

NM_152564.5(VPS13B):c.10081dup (p.Thr3361fs)

Gene: VPS13B (vacuolar protein sorting 13 homolog B; plus strand). Cytogenetic location: 8q22.2.
Variant type: Duplication.
Coding change: c.10081dup on transcript NM_152564.5 (MANE Select); coding-DNA position 10081, one base duplicated (A; older notation c.10081dupA).
Protein change: p.Thr3361fs; shifts the reading frame from threonine 3361.
Molecular consequence: frameshift variant.
Genome position (GRCh38, 1-based): chr8:99,853,470, A duplicated. VCF-style (leftmost placement, unchanged base first): chr8-99853469-T-TA. GRCh37 (hg19) VCF-style: chr8-100865697-T-TA.
Other names: p.Thr3361AsnfsTer3; c.10156dupA (NM_017890.4, NM_017890.3, NM_017890.5); c.10156dup, p.Thr3386fs (NM_017890.5); c.10081dupA (NM_152564.5, NM_152564.4); short protein forms T3386fs, T3361fs.
Identifiers: ClinVar variation 56629 (VCV000056629.32), dbSNP rs386834055, ClinGen allele CA263994.